The following is an entry in ClinVar:

ClinVar aggregate classification (germline): Uncertain significance (1 of 4 stars; one submission).

Conditions:
RYR1-related disorder. Also called: RYR1-related condition; RYR1-related disorders. Identifiers: MedGen CN239331.

Submission:

Labcorp Genetics (formerly Invitae), Labcorp
Classification: Uncertain significance for RYR1-related disorder. Last evaluated: 2023-02-10. Review status: criteria provided, single submitter. Criteria: Invitae Variant Classification Sherloc (09022015). Collection method: clinical testing. Allele origin: germline.
Comment: In summary, the available evidence is currently insufficient to determine the role of this variant in disease. Therefore, it has been classified as a Variant of Uncertain Significance. Advanced modeling of protein sequence and biophysical properties (such as structural, functional, and spatial information, amino acid conservation, physicochemical variation, residue mobility, and thermodynamic stability) performed at Invitae indicates that this missense variant is expected to disrupt RYR1 protein function. This variant has not been reported in the literature in individuals affected with RYR1-related conditions. This variant is not present in population databases (gnomAD no frequency). This sequence change replaces arginine, which is basic and polar, with proline, which is neutral and non-polar, at codon 3502 of the RYR1 protein (p.Arg3502Pro).

NM_000540.3(RYR1):c.10505G>C (p.Arg3502Pro)

Gene: RYR1 (ryanodine receptor 1; plus strand). Cytogenetic location: 19q13.2.
Variant type: single nucleotide variant.
Coding change: c.10505G>C on transcript NM_000540.3 (MANE Select); coding-DNA position 10505, G replaced by C.
Protein change: p.Arg3502Pro; replaces arginine 3502 with proline.
Molecular consequence: missense variant.
Genome position (GRCh38, 1-based): chr19:38,525,381, G>C. VCF-style: chr19-38525381-G-C. GRCh37 (hg19) VCF-style: chr19-39016021-G-C.
Other names: c.10490G>C, p.Arg3497Pro (NM_001042723.2); short protein forms R3502P, R3497P.
Identifiers: ClinVar variation 2899389 (VCV002899389.3), dbSNP rs369422480, ClinGen allele CA405643543.